The following is an entry in ClinVar:

ClinVar aggregate classification (germline): Uncertain significance. Review status: criteria provided, multiple submitters, no conflicts (2 of 4 stars). 4 submissions from 4 submitters: Uncertain significance (4). Last evaluated 2025-10-18.

Conditions:
Hereditary cancer-predisposing syndrome. Also called: Neoplastic Syndromes, Hereditary; Tumor predisposition; Hereditary neoplastic syndrome; Hereditary Cancer Syndrome. Identifiers: Orphanet 140162, MedGen C0027672, MeSH D009386, MONDO:0015356.
Hereditary nonpolyposis colorectal neoplasms. Identifiers: MedGen C0009405, MeSH D003123.

Submissions (4):

Labcorp Genetics (formerly Invitae), Labcorp
Classification: Uncertain significance for Hereditary nonpolyposis colorectal neoplasms. Last evaluated: 2025-10-18. Review status: criteria provided, single submitter. Criteria: Invitae Variant Classification Sherloc (09022015). Collection method: clinical testing. Allele origin: germline.
Comment: This variant, c.3932_3934dup, results in the insertion of 1 amino acid(s) of the MSH6 protein (p.Glu1311dup), but otherwise preserves the integrity of the reading frame. This variant is present in population databases (rs774984690, gnomAD 0.0009%). This variant has not been reported in the literature in individuals affected with MSH6-related conditions. ClinVar contains an entry for this variant (Variation ID: 580297). Experimental studies and prediction algorithms are not available or were not evaluated, and the functional significance of this variant is currently unknown. In summary, the available evidence is currently insufficient to determine the role of this variant in disease. Therefore, it has been classified as a Variant of Uncertain Significance.

Ambry Genetics
Classification: Uncertain significance for Hereditary cancer-predisposing syndrome. Last evaluated: 2025-09-16. Review status: criteria provided, single submitter. Criteria: Ambry Variant Classification Scheme 2023. Collection method: clinical testing. Allele origin: germline.
Comment: The c.3932_3934dupAAG variant (also known as p.E1311dup), located in coding exon 9 of the MSH6 gene, results from an in-frame duplication of AAG at nucleotide positions 3932 to 3934. This results in the duplication of an extra glutamic acid residue between codons 1311 and 1312. This amino acid position is well conserved in available vertebrate species. In addition, this alteration is predicted to be deleterious by in silico analysis (Choi Y et al. PLoS ONE. 2012; 7(10):e46688). Based on the available evidence, the clinical significance of this variant remains unclear.

Color Diagnostics, LLC DBA Color Health
Classification: Uncertain significance for Hereditary cancer-predisposing syndrome. Last evaluated: 2025-03-17. Review status: criteria provided, single submitter. Criteria: ACMG Guidelines, 2015. Collection method: clinical testing. Allele origin: germline.
Comment: This variant is a single amino acid duplication located in exon 9 of the MSH6 protein. To our knowledge, functional studies have not been reported for this variant. This variant has not been reported in individuals affected with MSH6-related disorders in the literature. This variant has been identified in 1/250190 chromosomes in the general population by the Genome Aggregation Database (gnomAD). The available evidence is insufficient to determine the role of this variant in disease conclusively. Therefore, this variant is classified as a Variant of Uncertain Significance.

GeneDx
Classification: Uncertain significance. Last evaluated: 2022-08-22. Review status: criteria provided, single submitter. Criteria: GeneDx Variant Classification Process June 2021. Collection method: clinical testing. Allele origin: germline. Affected: yes.
Comment: Not observed at significant frequency in large population cohorts (gnomAD); Has not been previously published as pathogenic or benign to our knowledge; This variant is associated with the following publications: (PMID: 12019211, 17531815, 21120944)

NM_000179.3(MSH6):c.3932_3934dup (p.Glu1311dup)

Gene: MSH6 (mutS homolog 6; plus strand). Cytogenetic location: 2p16.3.
Variant type: Duplication.
Coding change: c.3932_3934dup on transcript NM_000179.3 (MANE Select); coding-DNA positions 3932 to 3934, 3 bases duplicated (AAG; older notation c.3932_3934dupAAG).
Protein change: p.Glu1311dup; duplicates glutamic acid 1311.
Molecular consequence: inframe insertion.
Genome position (GRCh38, 1-based): chr2:47,806,582-47,806,584, AAG duplicated; duplicating any 3 consecutive bases within chr2:47,806,581-47,806,584 gives the same sequence; the c. name uses the placement nearest the transcript's 3' end. VCF-style (leftmost placement, unchanged base first): chr2-47806580-G-GGAA. GRCh37 (hg19) VCF-style: chr2-48033719-G-GGAA.
Other names: c.3542_3544dup, p.Glu1181dup (NM_001281492.2); c.3026_3028dup, p.Glu1009dup (NM_001281493.2, NM_001281494.2); c.3932_3934dupAAG (NM_000179.2); c.3932_3934dup (NM_000179.2).
Identifiers: ClinVar variation 580297 (VCV000580297.16), dbSNP rs774984690, ClinGen allele CA1649481.